The following is an entry in ClinVar:

ClinVar aggregate classification (germline): Uncertain significance. Review status: criteria provided, multiple submitters, no conflicts (2 of 4 stars). 3 submissions from 3 submitters: Uncertain significance (2). 1 of the submissions does not count toward it. Last evaluated 2025-08-12.

Conditions:
Autosomal recessive limb-girdle muscular dystrophy. Identifiers: Orphanet 102015, MedGen C2931907, MONDO:0015152.
Autosomal recessive limb-girdle muscular dystrophy type 2B (LGMDR2). Also called: MUSCULAR DYSTROPHY, LIMB-GIRDLE, TYPE 3; MUSCULAR DYSTROPHY, LIMB-GIRDLE, AUTOSOMAL RECESSIVE 2; Limb-Girdle Muscular Dystrophy Type 2B (LGMD2B); Limb-girdle muscular dystrophy, type 2B. Identifiers: Orphanet 268, MedGen C1850889, MONDO:0009676, OMIM 253601.
Neuromuscular disease caused by qualitative or quantitative defects of dysferlin. Also called: Qualitative or quantitative defects of dysferlin; Dysferlinopathy. Identifiers: Orphanet 207073, MedGen C2931687, MONDO:0016145.

Allele frequency attached by ClinVar (database versions not stated): gnomAD exomes 0.00002; TOPMed 0.00002; gnomAD 0.00003; ExAC 0.00004.
gnomAD v4.1: 28 of 1,611,446 alleles (0.0017%); highest among the groups gnomAD compares: African/African-American, 0.0094%; no homozygotes.

Submissions (3):

Myriad Genetics, Inc.
Classification: Uncertain significance for Autosomal recessive limb-girdle muscular dystrophy. Last evaluated: 2025-08-12. Review status: criteria provided, single submitter. Criteria: Myriad Autosomal Dominant, Autosomal Recessive and X-Linked Classification Criteria (2023). Collection method: clinical testing. Allele origin: unknown.
Comment: NM_003494.3(DYSF):c.1522+4C>T is an intronic variant classified as a variant of uncertain significance in the context of dysferlinopathy. c.1522+4C>T has been observed in a case with relevant disease (PMID: 39678382). Relevant functional assessments of this variant are not available in the literature. c.1522+4C>T has been observed in referenced population frequency databases. In summary, there is insufficient evidence to classify NM_003494.3(DYSF):c.1522+4C>T as pathogenic or benign. Please note: this variant was assessed in the context of healthy population screening.

Labcorp Genetics (formerly Invitae), Labcorp
Classification: Uncertain significance for Neuromuscular disease caused by qualitative or quantitative defects of dysferlin. Last evaluated: 2021-08-20. Review status: criteria provided, single submitter. Criteria: Invitae Variant Classification Sherloc (09022015). Collection method: clinical testing. Allele origin: germline.
Comment: This sequence change falls in intron 17 of the DYSF gene. It does not directly change the encoded amino acid sequence of the DYSF protein. It affects a nucleotide within the consensus splice site of the intron. This variant is present in population databases (rs763227235, ExAC 0.03%). This variant has not been reported in the literature in individuals affected with DYSF-related conditions. Variants that disrupt the consensus splice site are a relatively common cause of aberrant splicing (PMID: 17576681, 9536098). Algorithms developed to predict the effect of sequence changes on RNA splicing suggest that this variant may disrupt the consensus splice site. In summary, the available evidence is currently insufficient to determine the role of this variant in disease. Therefore, it has been classified as a Variant of Uncertain Significance.

Natera, Inc.
Classification: Uncertain significance for Limb-girdle muscular dystrophy type 2B. Last evaluated: 2020-03-04. Review status: no assertion criteria provided. Collection method: clinical testing. Allele origin: germline. Not counted in ClinVar's aggregate classification.

Literature cited by the submitters: PubMed 39678382 (cited by Myriad Genetics, Inc.); PubMed 17576681 (cited by Labcorp Genetics (formerly Invitae), Labcorp); PubMed 9536098 (cited by Labcorp Genetics (formerly Invitae), Labcorp).

NM_001130987.2(DYSF):c.1577-1646C>T

Gene: DYSF (dysferlin; plus strand). Cytogenetic location: 2p13.2.
Variant type: single nucleotide variant.
Coding change: c.1577-1646C>T on transcript NM_001130987.2 (MANE Select); 1646 bases into the intron before coding-DNA position 1577, C replaced by T.
Molecular consequence: intron variant.
Genome position (GRCh38, 1-based): chr2:71,549,395, C>T. VCF-style: chr2-71549395-C-T. GRCh37 (hg19) VCF-style: chr2-71776525-C-T.
Other names: c.1615+4C>T (NM_001130979.2); c.1574-1646C>T (NM_001130981.2, NM_001130980.2); c.1522+4C>T (NM_001130978.2, NM_003494.4); c.1481-1646C>T (NM_001130977.2, NM_001130976.2); c.1618+4C>T (NM_001130982.2); c.1577-1646C>T (NM_001130985.2); c.1525+4C>T (NM_001130983.2, NM_001130455.2); c.1484-1646C>T (NM_001130984.2, NM_001130986.2).
Identifiers: ClinVar variation 1037764 (VCV001037764.8), dbSNP rs763227235, ClinGen allele CA1705846.
Genomic context (GRCh38, chr2:71,549,395, plus strand): 5'-TTCTTTACGCTTCAGAGGAGCCTGCAGGTGCTGTCAAGCCTTCGAAAGCCTCAGACTGTA[C>T]GTTGCTGTCACCTTGGGGACAACCAGGGGAGTGGGGCCTTGGGTTTTGGCTAGAGGGGCG-3'